The following is an entry in ClinVar:

NM_019892.6(INPP5E):c.314C>G (p.Ala105Gly)

Gene: INPP5E (inositol polyphosphate-5-phosphatase E; minus strand). Cytogenetic location: 9q34.3.
Variant type: single nucleotide variant.
Coding change: c.314C>G on transcript NM_019892.6 (MANE Select); coding-DNA position 314, C replaced by G.
Protein change: p.Ala105Gly; replaces alanine 105 with glycine.
Molecular consequence: missense variant.
Genome position (GRCh38, 1-based): chr9:136,439,106, G>C on the plus strand (C>G on the coding strand, the complement: INPP5E is on the minus strand). VCF-style: chr9-136439106-G-C. GRCh37 (hg19) VCF-style: chr9-139333558-G-C.
Other names: c.314C>G, p.Ala105Gly (NM_001318502.2); short protein forms A105G.
Identifiers: ClinVar variation 4996884 (VCV004996884.1).

ClinVar aggregate classification (germline): Uncertain significance (1 of 4 stars; one submission).

Conditions:
INPP5E-related disorder. Also called: INPP5E-related condition.

Submission:

PreventionGenetics, part of Exact Sciences
Classification: Uncertain significance for INPP5E-related condition. Last evaluated: 2026-03-31. Review status: criteria provided, single submitter. Criteria: ACMG Guidelines, 2015. Collection method: clinical testing. Allele origin: germline.
Comment: The INPP5E c.314C>G variant is predicted to result in the amino acid substitution p.Ala105Gly. To our knowledge, this variant has not been reported in the literature or in a large population database (gnomAD), indicating this variant is rare. At this time, the clinical significance of this variant is uncertain due to the absence of conclusive functional and genetic evidence.